The following is an entry in ClinVar:

NM_004364.5(CEBPA):c.28G>A (p.Glu10Lys)

Genes: CEBPA (CCAAT enhancer binding protein alpha; minus strand), LOC130064183 (ATAC-STARR-seq lymphoblastoid silent region 10495; plus strand). Cytogenetic location: 19q13.11.
Variant type: single nucleotide variant.
Coding change: c.28G>A on transcript NM_004364.5 (MANE Select); coding-DNA position 28, G replaced by A.
Protein change: p.Glu10Lys; replaces glutamic acid 10 with lysine.
Molecular consequence: missense variant. On other transcripts: 5 prime UTR variant (2).
Genome position (GRCh38, 1-based): chr19:33,302,387, C>T on the plus strand (G>A on the coding strand, the complement: CEBPA is on the minus strand). VCF-style: chr19-33302387-C-T. GRCh37 (hg19) VCF-style: chr19-33793293-C-T.
Other names: c.28G>A (NM_004364.3); c.-330G>A (NM_001285829.2); c.133G>A, p.Glu45Lys (NM_001287424.2); c.-15G>A (NM_001287435.2); short protein forms E10K, E45K.
Identifiers: ClinVar variation 526809 (VCV000526809.10), dbSNP rs1555742327, ClinGen allele CA405275831.
Genomic context (GRCh38, chr19:33,302,387, plus strand): 5'-CGGCGCTGCTGGGCGCGTGCGGGGGGCTCTGCAGGTGGCTGCTCATCGGGGGCCGCGGCT[C>T]CGCCTCGTAGAAGTCGGCCGACTCCATGGGGGAGTTAGAGTTCTCCCGGCATGGCGAGCC-3'
Protein context (NP_004355.2, residues 1-20): MESADFYEA[Glu10Lys]PRPPMSSHLQ

ClinVar aggregate classification (germline): Uncertain significance. Review status: criteria provided, multiple submitters, no conflicts (2 of 4 stars). 2 submissions from 2 submitters: Uncertain significance (2). Last evaluated 2025-01-06.

Conditions:
Inborn genetic diseases. Identifiers: MedGen C0950123, MeSH D030342.
Acute myeloid leukemia (AML). Also called: Leukemia, acute myeloid, somatic; Leukemia, acute myelogenous, somatic; Acute myeloid leukemia, adult; AML adult; Acute non-lymphocytic leukemia; Acute granulocytic leukemia. Identifiers: Orphanet 519, MedGen C0023467, MeSH D015470, MONDO:0018874, OMIM 601626, HP:0004808. Disease mechanism: Constitutively activated FLT3.

Allele frequency attached by ClinVar (database versions not stated): gnomAD exomes 0.00001.

Submissions (2):

Ambry Genetics
Classification: Uncertain significance for Inborn genetic diseases. Last evaluated: 2025-01-06. Review status: criteria provided, single submitter. Criteria: Ambry Variant Classification Scheme 2023. Collection method: clinical testing. Allele origin: germline.
Comment: The p.E10K variant (also known as c.28G>A), located in coding exon 1 of the CEBPA gene, results from a G to A substitution at nucleotide position 28. The glutamic acid at codon 10 is replaced by lysine, an amino acid with similar properties. This amino acid position is not well conserved in available vertebrate species. In addition, this alteration is predicted to be tolerated by in silico analysis. Based on the available evidence, the clinical significance of this variant remains unclear.

Labcorp Genetics (formerly Invitae), Labcorp
Classification: Uncertain significance for Acute myeloid leukemia. Last evaluated: 2023-05-03. Review status: criteria provided, single submitter. Criteria: Invitae Variant Classification Sherloc (09022015). Collection method: clinical testing. Allele origin: germline.
Comment: In summary, the available evidence is currently insufficient to determine the role of this variant in disease. Therefore, it has been classified as a Variant of Uncertain Significance. An algorithm developed to predict the effect of missense changes on protein structure and function (PolyPhen-2) suggests that this variant is likely to be tolerated. ClinVar contains an entry for this variant (Variation ID: 526809). This variant has not been reported in the literature in individuals affected with CEBPA-related conditions. This variant is not present in population databases (gnomAD no frequency). This sequence change replaces glutamic acid, which is acidic and polar, with lysine, which is basic and polar, at codon 10 of the CEBPA protein (p.Glu10Lys).